The following is an entry in ClinVar:

ClinVar aggregate classification (germline): Likely benign. Review status: criteria provided, single submitter (1 of 4 stars). 2 submissions from 2 submitters: Likely benign (1). 1 of the submissions does not count toward it. Last evaluated 2026-01-10.

Conditions:
MYO5B-related disorder. Also called: MYO5B-related condition.

Allele frequency attached by ClinVar (database versions not stated): gnomAD 0.00001; gnomAD exomes 0.00003 and 0.00010; ExAC 0.00010.
gnomAD v4.1: 42 of 1,613,824 alleles (0.0026%); highest among the groups gnomAD compares: Admixed American, 0.042%; no homozygotes.

Submissions (2):

Labcorp Genetics (formerly Invitae), Labcorp
Classification: Likely benign. Last evaluated: 2026-01-10. Review status: criteria provided, single submitter. Criteria: Invitae Variant Classification Sherloc (09022015). Collection method: clinical testing. Allele origin: germline.

PreventionGenetics, part of Exact Sciences
Classification: Likely benign for MYO5B-related condition. Last evaluated: 2024-03-27. Review status: no assertion criteria provided. Collection method: clinical testing. Allele origin: germline. Not counted in ClinVar's aggregate classification.
Comment: This variant is classified as likely benign based on ACMG/AMP sequence variant interpretation guidelines (Richards et al. 2015 PMID: 25741868, with internal and published modifications).

NM_001080467.3(MYO5B):c.1638G>A (p.Thr546=)

Gene: MYO5B (myosin VB; minus strand). Cytogenetic location: 18q21.1.
Variant type: single nucleotide variant.
Coding change: c.1638G>A on transcript NM_001080467.3 (MANE Select); coding-DNA position 1638, G replaced by A.
Protein change: p.Thr546=; no amino-acid change (threonine 546 retained).
Molecular consequence: synonymous variant.
Genome position (GRCh38, 1-based): chr18:49,954,343, C>T on the plus strand (G>A on the coding strand, the complement: MYO5B is on the minus strand). VCF-style: chr18-49954343-C-T. GRCh37 (hg19) VCF-style: chr18-47480713-C-T.
Other names: c.1638G>A (NM_001080467.2).
Identifiers: ClinVar variation 1567874 (VCV001567874.9), dbSNP rs755229427, ClinGen allele CA8961451.